The following is an entry in ClinVar:

NM_001174089.2(SLC4A11):c.2496G>A (p.Met832Ile)

Gene: SLC4A11 (solute carrier family 4 member 11; minus strand). Cytogenetic location: 20p13.
Variant type: single nucleotide variant.
Coding change: c.2496G>A on transcript NM_001174089.2 (MANE Select); coding-DNA position 2496, G replaced by A.
Protein change: p.Met832Ile; replaces methionine 832 with isoleucine.
Molecular consequence: missense variant. On other transcripts: non-coding transcript variant (1).
Genome position (GRCh38, 1-based): chr20:3,228,321, C>T on the plus strand (G>A on the coding strand, the complement: SLC4A11 is on the minus strand). VCF-style: chr20-3228321-C-T. GRCh37 (hg19) VCF-style: chr20-3208967-C-T.
Other names: c.2625G>A, p.Met875Ile (NM_001174090.2); c.2382G>A, p.Met794Ile (NM_001363745.2); c.2544G>A, p.Met848Ile (NM_032034.4); short protein forms M848I, M875I, M794I, M832I.
Identifiers: ClinVar variation 769067 (VCV000769067.20), dbSNP rs34224785, ClinGen allele CA9741449.

ClinVar aggregate classification (germline): Conflicting classifications of pathogenicity. Review status: criteria provided, conflicting classifications (1 of 4 stars). 6 submissions from 6 submitters: Uncertain significance (1); Benign (1); Likely benign (2). 2 of the submissions do not count toward it. Last evaluated 2026-01-28.

Conditions:
SLC4A11-related disorder. Also called: SLC4A11-related condition.
Posterior polymorphous corneal dystrophy 1 (PPCD1). Also called: Corneal endothelial dystrophy 1, autosomal dominant. Identifiers: Orphanet 98973, MedGen C1852555, MONDO:0007378, OMIM 122000.
Corneal dystrophy. Identifiers: Orphanet 34533, MedGen C0010036, MONDO:0018102, HP:0001131.
Corneal dystrophy-perceptive deafness syndrome (CDPD). Also called: HARBOYAN SYNDROME; CORNEAL DYSTROPHY AND SENSORINEURAL DEAFNESS. Identifiers: Orphanet 1490, MedGen C1857572, MONDO:0009015, OMIM 217400.

Allele frequency attached by ClinVar (database versions not stated): gnomAD exomes 0.00122 and 0.00250; ExAC 0.00291; gnomAD 0.00839 and 0.00886; ESP Exome Variant Server 0.00930; TOPMed 0.00982; 1000 Genomes Project 0.01138; 1000 Genomes Project 30x 0.01171.
gnomAD v4.1: 3,177 of 1,613,180 alleles (0.2%); highest among the groups gnomAD compares: African/African-American, 2.7%; 46 homozygotes.

Submissions (6):

Labcorp Genetics (formerly Invitae), Labcorp
Classification: Benign. Last evaluated: 2026-01-28. Review status: criteria provided, single submitter. Criteria: Invitae Variant Classification Sherloc (09022015). Collection method: clinical testing. Allele origin: germline.

Women's Health and Genetics/Laboratory Corporation of America, LabCorp
Classification: Likely benign. Last evaluated: 2022-05-03. Review status: criteria provided, single submitter. Criteria: LabCorp Variant Classification Summary - May 2015. Collection method: clinical testing. Allele origin: germline.

Mendelics
Classification: Uncertain significance for Posterior polymorphous corneal dystrophy 1. Last evaluated: 2019-05-28. Review status: criteria provided, single submitter. Criteria: Mendelics Assertion Criteria 2017. Collection method: clinical testing. Allele origin: unknown.

Illumina Laboratory Services, Illumina
Classification: Likely benign for Corneal dystrophy. Last evaluated: 2017-04-28. Review status: criteria provided, single submitter. Criteria: ICSL Variant Classification Criteria 13 December 2019. Collection method: clinical testing. Allele origin: germline.
Comment: This variant was observed as part of a predisposition screen in an ostensibly healthy population. A literature search was performed for the gene, cDNA change, and amino acid change (where applicable). Publications were found based on this search. The evidence from the literature, in combination with allele frequency data from public databases where available, was sufficient to determine this variant is unlikely to cause disease. Therefore, this variant is classified as likely benign.

PreventionGenetics, part of Exact Sciences
Classification: Likely benign for SLC4A11-related condition. Last evaluated: 2020-07-27. Review status: no assertion criteria provided. Collection method: clinical testing. Allele origin: germline. Not counted in ClinVar's aggregate classification.
Comment: This variant is classified as likely benign based on ACMG/AMP sequence variant interpretation guidelines (Richards et al. 2015 PMID: 25741868, with internal and published modifications).

Natera, Inc.
Classification: Benign for Harboyan syndrome. Last evaluated: 2020-01-08. Review status: no assertion criteria provided. Collection method: clinical testing. Allele origin: germline. Not counted in ClinVar's aggregate classification.

Literature cited by the submitters: PubMed 25182519 (cited by Illumina Laboratory Services, Illumina).